The following is an entry in ClinVar:

NM_144997.7(FLCN):c.871+151C>T

Gene: FLCN (folliculin; minus strand). Cytogenetic location: 17p11.2.
Variant type: single nucleotide variant.
Coding change: c.871+151C>T on transcript NM_144997.7 (MANE Select); 151 bases into the intron after coding-DNA position 871, C replaced by T.
Molecular consequence: intron variant. On other transcripts: missense variant (1).
Genome position (GRCh38, 1-based): chr17:17,221,386, G>A on the plus strand (C>T on the coding strand, the complement: FLCN is on the minus strand). VCF-style: chr17-17221386-G-A. GRCh37 (hg19) VCF-style: chr17-17124700-G-A.
Other names: c.1022C>T (NM_144606.5); c.1022C>T, p.Ser341Leu (NM_144606.7); c.871+151C>T (NM_001353231.2, NM_001353230.2); c.925+151C>T (NM_001353229.2); short protein forms S341L.
Identifiers: ClinVar variation 4885974 (VCV004885974.3).

ClinVar aggregate classification (germline): Conflicting classifications of pathogenicity. Review status: criteria provided, conflicting classifications (1 of 4 stars). 2 submissions from 2 submitters: Uncertain significance (1); Likely benign (1). Last evaluated 2026-02-25.

Conditions:
FLCN-related disorder. Also called: FLCN-related condition.

gnomAD v4.1: 29 of 1,612,652 alleles (0.0018%); highest among the groups gnomAD compares: African/African-American, 0.021%; no homozygotes.

Submissions (2):

Dasa
Classification: Uncertain significance. Last evaluated: 2026-02-25. Review status: criteria provided, single submitter. Criteria: DASA Assertion Criteria. Collection method: clinical testing. Allele origin: germline.
Comment: NM_144606.7(FLCN):c.1022C>T (p.Ser341Leu) is a missense variant that results in the substitution of serine with leucine. This variant is rare in population databases. Computational prediction algorithms are consistent with a deleterious effect. The currently available literature and clinical evidence are not sufficient to establish a definitive association between this variant and the reported condition. Therefore, this variant is classified as a variant of uncertain significance.

PreventionGenetics, part of Exact Sciences
Classification: Likely benign for FLCN-related condition. Last evaluated: 2025-03-06. Review status: criteria provided, single submitter. Criteria: ACMG Guidelines, 2015. Collection method: clinical testing. Allele origin: germline.
Comment: This variant is classified as likely benign based on ACMG/AMP sequence variant interpretation guidelines (Richards et al. 2015 PMID: 25741868, with internal and published modifications).